The following is an entry in ClinVar:

NM_014244.5(ADAMTS2):c.3401C>T (p.Pro1134Leu)

Gene: ADAMTS2 (ADAM metallopeptidase with thrombospondin type 1 motif 2; minus strand). Cytogenetic location: 5q35.3.
Variant type: single nucleotide variant.
Coding change: c.3401C>T on transcript NM_014244.5 (MANE Select); coding-DNA position 3401, C replaced by T.
Protein change: p.Pro1134Leu; replaces proline 1134 with leucine.
Molecular consequence: missense variant.
Genome position (GRCh38, 1-based): chr5:179,114,102, G>A on the plus strand (C>T on the coding strand, the complement: ADAMTS2 is on the minus strand). VCF-style: chr5-179114102-G-A. GRCh37 (hg19) VCF-style: chr5-178541103-G-A.
Other names: short protein forms P1134L.
Identifiers: ClinVar variation 2085093 (VCV002085093.1), dbSNP rs772547199, ClinGen allele CA3595234.

ClinVar aggregate classification (germline): Uncertain significance (1 of 4 stars; one submission).

Conditions:
Ehlers-Danlos syndrome, dermatosparaxis type. Also called: Ehlers-Danlos syndrome, type VII, autosomal recessive; Dermatosparaxis; EDS VIIC. Identifiers: Orphanet 1901, MedGen C2700425, MONDO:0009161, OMIM 225410.

Allele frequency attached by ClinVar (database versions not stated): ExAC 0.00001; gnomAD exomes 0.00001; TOPMed 0.00001.
gnomAD v4.1: 20 of 1,614,060 alleles (0.0012%); highest among the groups gnomAD compares: Middle Eastern, 0.016%; no homozygotes.

Submission:

Labcorp Genetics (formerly Invitae), Labcorp
Classification: Uncertain significance for Ehlers-Danlos syndrome, dermatosparaxis type. Last evaluated: 2022-07-29. Review status: criteria provided, single submitter. Criteria: Invitae Variant Classification Sherloc (09022015). Collection method: clinical testing. Allele origin: germline.
Comment: This sequence change replaces proline, which is neutral and non-polar, with leucine, which is neutral and non-polar, at codon 1134 of the ADAMTS2 protein (p.Pro1134Leu). This variant is present in population databases (rs772547199, gnomAD 0.0009%). This variant has not been reported in the literature in individuals affected with ADAMTS2-related conditions. Algorithms developed to predict the effect of missense changes on protein structure and function output the following: SIFT: "Deleterious"; PolyPhen-2: "Benign"; Align-GVGD: "Class C0". The leucine amino acid residue is found in multiple mammalian species, which suggests that this missense change does not adversely affect protein function. In summary, the available evidence is currently insufficient to determine the role of this variant in disease. Therefore, it has been classified as a Variant of Uncertain Significance.